The following is an entry in ClinVar:

NM_003072.5(SMARCA4):c.2506-14T>C

Gene: SMARCA4 (SWI/SNF related BAF chromatin remodeling complex subunit ATPase 4; plus strand). Cytogenetic location: 19p13.2.
Variant type: single nucleotide variant.
Coding change: c.2506-14T>C on transcript NM_003072.5 (MANE Select); 14 bases into the intron before coding-DNA position 2506, T replaced by C.
Molecular consequence: intron variant.
Genome position (GRCh38, 1-based): chr19:11,019,577, T>C. VCF-style: chr19-11019577-T-C. GRCh37 (hg19) VCF-style: chr19-11130253-T-C.
Other names: c.2506-14T>C (NM_001128844.3, NM_001128849.3, NM_001128847.4 and 5 more transcripts).
Identifiers: ClinVar variation 391367 (VCV000391367.16), dbSNP rs751003991, ClinGen allele CA9204153.
Genomic context (GRCh38, chr19:11,019,577, plus strand): 5'-GGGTGCCTGTGCCCCTCTTGCCACCTGGCCACCCGGCTCCAAAAGCCGAGCTGTGCATCC[T>C]GCTTCCCTTGCAGGGATCCCCAGCAGCAAGACGGGCCTTTGTCCCCCAGCTCCGGAGTGG-3'

ClinVar aggregate classification (germline): Benign/Likely benign. Review status: criteria provided, multiple submitters, no conflicts (2 of 4 stars). 6 submissions from 6 submitters: Benign (1); Likely benign (5). Last evaluated 2026-07-07.

Conditions:
Intellectual disability, autosomal dominant 16 (CSS4). Also called: COFFIN-SIRIS SYNDROME 4. Identifiers: Orphanet 1465, MedGen C3553249, MONDO:0013821, OMIM 614609.
Rhabdoid tumor predisposition syndrome 2 (RTPS2). Identifiers: Orphanet 231108, Orphanet 69077, MedGen C2750074, MONDO:0013224, OMIM 613325.
Coffin-Siris syndrome. Identifiers: Orphanet 1465, MedGen C0265338, MONDO:0015452.

Allele frequency attached by ClinVar (database versions not stated): gnomAD exomes 0.00001.
gnomAD v4.1: 18 of 1,589,236 alleles (0.0011%); highest among the groups gnomAD compares: Non-Finnish European, 0.00052%; no homozygotes.

Submissions (6):

Myriad Genetics, Inc.
Classification: Likely benign for Rhabdoid tumor predisposition syndrome 2. Last evaluated: 2026-07-07. Review status: criteria provided, single submitter. Criteria: Myriad Autosomal Dominant, Autosomal Recessive and X-Linked Classification Criteria (2023). Collection method: clinical testing. Allele origin: unknown.
Comment: This variant is considered likely benign. This variant is intronic and is not expected to impact mRNA splicing.

Labcorp Genetics (formerly Invitae), Labcorp
Classification: Likely benign for Rhabdoid tumor predisposition syndrome 2. Last evaluated: 2026-01-11. Review status: criteria provided, single submitter. Criteria: Invitae Variant Classification Sherloc (09022015). Collection method: clinical testing. Allele origin: germline.

Blueprint Genetics
Classification: Likely benign. Last evaluated: 2024-07-24. Review status: criteria provided, single submitter. Criteria: ACMG Guidelines, 2015. Collection method: clinical testing. Allele origin: germline.

Genome-Nilou Lab
Classification: Likely benign for Intellectual disability, autosomal dominant 16. Last evaluated: 2021-07-15. Review status: criteria provided, single submitter. Criteria: ACMG Guidelines, 2015. Collection method: clinical testing. Allele origin: germline. Affected: no.

Illumina Laboratory Services, Illumina
Classification: Benign for Coffin-Siris syndrome. Last evaluated: 2018-01-13. Review status: criteria provided, single submitter. Criteria: ICSL Variant Classification Criteria 13 December 2019. Collection method: clinical testing. Allele origin: germline.
Comment: This variant was observed in the ICSL laboratory as part of a predisposition screen in an ostensibly healthy population. It had not been previously curated by ICSL or reported in the Human Gene Mutation Database (HGMD: prior to June 1st, 2018), and was therefore a candidate for classification through an automated scoring system. Utilizing variant allele frequency, disease prevalence and penetrance estimates, and inheritance mode, an automated score was calculated to assess if this variant is too frequent to cause the disease. Based on the score and internal cut-off values, a variant classified as benign is not then subjected to further curation. The score for this variant resulted in a classification of benign for this disease.

GeneDx
Classification: Likely benign. Last evaluated: 2017-01-12. Review status: criteria provided, single submitter. Criteria: GeneDx Variant Classification (06012015). Collection method: clinical testing. Allele origin: germline. Affected: yes.
Comment: This variant is considered likely benign or benign based on one or more of the following criteria: it is a conservative change, it occurs at a poorly conserved position in the protein, it is predicted to be benign by multiple in silico algorithms, and/or has population frequency not consistent with disease.